The following is an entry in ClinVar:

ClinVar aggregate classification (germline): Conflicting classifications of pathogenicity. Review status: criteria provided, conflicting classifications (1 of 4 stars). 8 submissions from 8 submitters: Uncertain significance (3); Likely benign (2). 3 of the submissions do not count toward it. Last evaluated 2026-01-11.

Conditions:
Hereditary sensory and autonomic neuropathy type 6. Also called: HSAN VI; Neuropathy, hereditary sensory and autonomic, type VI. Identifiers: Orphanet 314381, MedGen C3539003, MONDO:0013839, OMIM 614653.
Inborn genetic diseases. Identifiers: MedGen C0950123, MeSH D030342.
Epidermolysis bullosa simplex 3, localized or generalized intermediate, with BP230 deficiency (EBS3). Also called: Epidermolysis bullosa simplex, autosomal recessive 2; Epidermolysis bullosa simplex due to BP230 deficiency. Identifiers: Orphanet 412181, MedGen C3809470, MONDO:0014180, OMIM 615425.
DST-related disorder. Also called: DST-related condition; DST-related disorders.

Allele frequency attached by ClinVar (database versions not stated): 1000 Genomes Project 0.00040; 1000 Genomes Project 30x 0.00047; gnomAD exomes 0.00092; gnomAD 0.00095 and 0.00097; TOPMed 0.00111; ESP Exome Variant Server 0.00141; ExAC 0.00116.
gnomAD v4.1: 1,672 of 1,612,668 alleles (0.1%); highest among the groups gnomAD compares: South Asian, 0.22%; 3 homozygotes.

Submissions (8):

Labcorp Genetics (formerly Invitae), Labcorp
Classification: Likely benign for Epidermolysis bullosa simplex 3, localized or generalized intermediate, with BP230 deficiency; Hereditary sensory and autonomic neuropathy type 6. Last evaluated: 2026-01-11. Review status: criteria provided, single submitter. Criteria: Invitae Variant Classification Sherloc (09022015). Collection method: clinical testing. Allele origin: germline.

Mayo Clinic Laboratories, Mayo Clinic
Classification: Likely benign. Last evaluated: 2025-08-11. Review status: criteria provided, single submitter. Criteria: ACMG Guidelines, 2015. Collection method: clinical testing. Allele origin: germline. Observed: 2 variant alleles.
Comment: BS1, BP4

Blueprint Genetics
Classification: Uncertain significance. Last evaluated: 2024-11-20. Review status: criteria provided, single submitter. Criteria: ACMG Guidelines, 2015. Collection method: clinical testing. Allele origin: germline.

Ambry Genetics
Classification: Uncertain significance for Inborn genetic diseases. Last evaluated: 2022-04-13. Review status: criteria provided, single submitter. Criteria: Ambry Variant Classification Scheme 2023. Collection method: clinical testing. Allele origin: germline.
Comment: The p.N4694S variant (also known as c.14081A>G), located in coding exon 78 of the DST gene, results from an A to G substitution at nucleotide position 14081. The asparagine at codon 4694 is replaced by serine, an amino acid with highly similar properties. This amino acid position is well conserved in available vertebrate species. In addition, this alteration is predicted to be tolerated by in silico analysis. Since supporting evidence is limited at this time, the clinical significance of this alteration remains unclear.

Clinical Genetics DNA and cytogenetics Diagnostics Lab, Erasmus MC, Erasmus Medical Center
Classification: Uncertain significance for Hereditary sensory and autonomic neuropathy type 6. Last evaluated: 2016-05-02. Review status: criteria provided, single submitter. Criteria: ACGS Guidelines, 2013. Collection method: clinical testing. Allele origin: germline. Affected: yes. Study: VKGL Data-share Consensus.

PreventionGenetics, part of Exact Sciences
Classification: Likely benign for DST-related condition. Last evaluated: 2023-06-05. Review status: no assertion criteria provided. Collection method: clinical testing. Allele origin: germline. Not counted in ClinVar's aggregate classification.
Comment: This variant is classified as likely benign based on ACMG/AMP sequence variant interpretation guidelines (Richards et al. 2015 PMID: 25741868, with internal and published modifications).

Clinical Genetics, Academic Medical Center
Classification: Uncertain significance. Review status: no assertion criteria provided. Collection method: clinical testing. Allele origin: germline. Affected: yes. Study: VKGL Data-share Consensus. Not counted in ClinVar's aggregate classification.

Diagnostic Laboratory, Department of Genetics, University Medical Center Groningen
Classification: Uncertain significance. Review status: no assertion criteria provided. Collection method: clinical testing. Allele origin: germline. Affected: yes. Study: VKGL Data-share Consensus. Not counted in ClinVar's aggregate classification.

NM_001374736.1(DST):c.20438A>G (p.Asn6813Ser)

Gene: DST (dystonin; minus strand). Cytogenetic location: 6p12.1.
Variant type: single nucleotide variant.
Coding change: c.20438A>G on transcript NM_001374736.1 (MANE Select); coding-DNA position 20438, A replaced by G.
Protein change: p.Asn6813Ser; replaces asparagine 6813 with serine.
Molecular consequence: missense variant.
Genome position (GRCh38, 1-based): chr6:56,493,046, T>C on the plus strand (A>G on the coding strand, the complement: DST is on the minus strand). VCF-style: chr6-56493046-T-C. GRCh37 (hg19) VCF-style: chr6-56357844-T-C.
Other names: p.Asn4190Ser; c.14081A>G, p.Asn4694Ser (NM_001144769.5); c.13667A>G, p.Asn4556Ser (NM_001144770.2); c.20438A>G, p.Asn6813Ser (NM_001374722.1); c.19478A>G, p.Asn6493Ser (NM_001374729.1); c.13220A>G, p.Asn4407Ser (NM_001374730.1); c.20465A>G, p.Asn6822Ser (NM_001374734.1); c.13547A>G, p.Asn4516Ser (NM_001386100.1, NM_183380.4); and 1 more; short protein forms N4190S, N4694S, N4556S, N4516S, N4407S, N6813S, N6822S, N6493S.
Identifiers: ClinVar variation 522338 (VCV000522338.23), dbSNP rs199628430, ClinGen allele CA3866746.
Genomic context (GRCh38, chr6:56,493,046, plus strand): 5'-GAAGCTACATTTAGGGTCTGTTCAGCCTGAGTAAGCCAGTTGATGAAGTCTTGGAGAGAA[T>C]TGTGGAACTCCATTGCCAAGTTGAGAGCCTCTTCCAGTTTAGTCTGCAAGGACAGATTGT-3'
Protein context (NP_001361665.1, residues 6803-6823): EALNLAMEFH[Asn6813Ser]SLQDFINWLT